The following is an entry in ClinVar:

ClinVar aggregate classification (germline): Uncertain significance (1 of 4 stars; one submission).

Submission:

Ambry Genetics
Classification: Uncertain significance. Last evaluated: 2021-11-15. Review status: criteria provided, single submitter. Criteria: Ambry Variant Classification Scheme 2023. Collection method: clinical testing. Allele origin: germline.
Comment: The c.2915_2917delAAG variant (also known as p.E972del) is located in coding exon 26 of the KIF1B gene. This variant results from an in-frame AAG deletion at nucleotide positions 2915 to 2917. This results in the in-frame deletion of a glutamic acid at codon 972. This amino acid position is highly conserved in available vertebrate species. Since supporting evidence is limited at this time, the clinical significance of this alteration remains unclear.

NM_001365951.3(KIF1B):c.3050AAG[1] (p.Glu1018del)

Gene: KIF1B (kinesin family member 1B; plus strand). Cytogenetic location: 1p36.22.
Variant type: Microsatellite.
Coding change: c.3050AAG[1] on transcript NM_001365951.3 (MANE Select); one copy of the 3-base unit AAG starting at c.3050; the reference has two copies in a row; one copy, 3 bases deleted.
Protein change: p.Glu1018del; deletes glutamic acid 1018.
Molecular consequence: inframe deletion.
Genome position (GRCh38, 1-based): chr1:10,336,666-10,336,668, AAG deleted; deleting any 3 consecutive bases within chr1:10,336,662-10,336,668 gives the same sequence; the position shown is the placement nearest the transcript's 3' end. VCF-style (leftmost placement, unchanged base first): chr1-10336661-TGAA-T. GRCh37 (hg19) VCF-style: chr1-10396719-TGAA-T.
Other names: c.3050AAG[1], p.Glu1018del (NM_001365952.1); c.2912AAG[1], p.Glu972del (NM_015074.3); c.2915_2917delAAG (NM_015074.3); short protein forms E1018del, E972del.
Identifiers: ClinVar variation 1797615 (VCV001797615.2), dbSNP rs2521715318, ClinGen allele CA2580611401.
Genomic context (GRCh38, chr1:10,336,661, plus strand): 5'-CTCCCTCCCCCTGTGTAGTCTCACTCAATTCTTGCTAATTTTTTTTTCTGCTTTAGCGGA[TGAA>T]GAAGCTCCTGATTATGGCTCTGGAATTCGACAGTCAGGAACAGCTAAAATATCTTTTGAT-3'